The following is an entry in ClinVar:

NM_001330260.2(SCN8A):c.1749C>G (p.Phe583Leu)

Gene: SCN8A (sodium voltage-gated channel alpha subunit 8; plus strand). Cytogenetic location: 12q13.13.
Variant type: single nucleotide variant.
Coding change: c.1749C>G on transcript NM_001330260.2 (MANE Select); coding-DNA position 1749, C replaced by G.
Protein change: p.Phe583Leu; replaces phenylalanine 583 with leucine.
Molecular consequence: missense variant.
Genome position (GRCh38, 1-based): chr12:51,721,659, C>G. VCF-style: chr12-51721659-C-G. GRCh37 (hg19) VCF-style: chr12-52115443-C-G.
Other names: c.1749C>G, p.Phe583Leu (NM_001177984.3, NM_001369788.1, NM_014191.4); short protein forms F583L.
Identifiers: ClinVar variation 4690069 (VCV004690069.1).

ClinVar aggregate classification (germline): Uncertain significance (1 of 4 stars; one submission).

gnomAD v4.1: 1 of 1,606,534 alleles (0.000062%); highest among the groups gnomAD compares: Non-Finnish European, 0.000085%; no homozygotes.

Submission:

GeneDx
Classification: Uncertain significance. Last evaluated: 2025-07-28. Review status: criteria provided, single submitter. Criteria: GeneDx Variant Classification Process June 2021. Collection method: clinical testing. Allele origin: germline. Affected: yes.
Comment: Not observed at significant frequency in large population cohorts (gnomAD); In silico analysis supports that this missense variant has a deleterious effect on protein structure/function; Has not been previously published as pathogenic or benign to our knowledge; This substitution is predicted to be within the cytoplasmic loop between the first and second homologous domains